The following is an entry in ClinVar:

ClinVar aggregate classification (germline): Conflicting classifications of pathogenicity. Review status: criteria provided, conflicting classifications (1 of 4 stars). 3 submissions from 3 submitters: Uncertain significance (2); Benign (1). Last evaluated 2025-10-15.

Conditions:
Tuberous sclerosis 2 (TSC2). Identifiers: Orphanet 805, MedGen C1860707, MONDO:0013199, OMIM 613254.
Hereditary cancer-predisposing syndrome. Also called: Hereditary neoplastic syndrome; Neoplastic Syndromes, Hereditary; Tumor predisposition; Hereditary Cancer Syndrome. Identifiers: Orphanet 140162, MedGen C0027672, MeSH D009386, MONDO:0015356.
Tuberous sclerosis syndrome (TSC). Also called: Tuberous Sclerosis Complex; Tuberous sclerosis. Identifiers: Orphanet 805, MedGen C0041341, MONDO:0001734.

Allele frequency attached by ClinVar (database versions not stated): TOPMed below 0.00001; gnomAD 0.00001; ExAC 0.00003; 1000 Genomes Project 30x 0.00031.

Submissions (3):

Labcorp Genetics (formerly Invitae), Labcorp
Classification: Benign for Tuberous sclerosis 2. Last evaluated: 2025-10-15. Review status: criteria provided, single submitter. Criteria: Invitae Variant Classification Sherloc (09022015). Collection method: clinical testing. Allele origin: germline.

Ambry Genetics
Classification: Uncertain significance for Hereditary cancer-predisposing syndrome. Last evaluated: 2024-01-22. Review status: criteria provided, single submitter. Criteria: Ambry Variant Classification Scheme 2023. Collection method: clinical testing. Allele origin: germline.
Comment: The p.R93W variant (also known as c.277C>T), located in coding exon 3 of the TSC2 gene, results from a C to T substitution at nucleotide position 277. The arginine at codon 93 is replaced by tryptophan, an amino acid with dissimilar properties. This amino acid position is not well conserved in available vertebrate species. In addition, the in silico prediction for this alteration is inconclusive. Based on the available evidence, the clinical significance of this alteration remains unclear.

All of Us Research Program, National Institutes of Health
Classification: Uncertain significance for Tuberous sclerosis syndrome. Last evaluated: 2023-03-23. Review status: criteria provided, single submitter. Criteria: ACMG Guidelines, 2015. Collection method: clinical testing. Allele origin: germline. Inheritance: Autosomal dominant inheritance. Observed: 1 variant allele, 1 heterozygote.
Comment: This missense variant replaces arginine with tryptophan at codon 93 of the TSC2 protein. Computational prediction suggests that this variant may not impact protein structure and function (internally defined REVEL score threshold <= 0.5, PMID: 27666373). To our knowledge, functional studies have not been reported for this variant. This variant has not been reported in individuals affected with tuberous sclerosis complex in the literature. This variant has been identified in 2/243924 chromosomes in the general population by the Genome Aggregation Database (gnomAD). The available evidence is insufficient to determine the role of this variant in disease conclusively. Therefore, this variant is classified as a Variant of Uncertain Significance.

This study involves interpretation of variants in research participants for the purpose of population health screening. Participant phenotype was not available at the time of variant classification. Additional details can be found in publication PMID: 35346344, PMCID: PMC8962531

NM_000548.5(TSC2):c.277C>T (p.Arg93Trp)

Gene: TSC2 (TSC complex subunit 2; plus strand). Cytogenetic location: 16p13.3.
Variant type: single nucleotide variant.
Coding change: c.277C>T on transcript NM_000548.5 (MANE Select); coding-DNA position 277, C replaced by T.
Protein change: p.Arg93Trp; replaces arginine 93 with tryptophan.
Molecular consequence: missense variant. On other transcripts: intron variant (2).
Genome position (GRCh38, 1-based): chr16:2,053,393, C>T. VCF-style: chr16-2053393-C-T. GRCh37 (hg19) VCF-style: chr16-2103394-C-T.
Other names: c.277C>T, p.Arg93Trp (NM_001077183.3, NM_001114382.3, NM_001363528.2 and 3 more transcripts); c.130C>T, p.Arg44Trp (NM_001318829.2); c.310C>T, p.Arg104Trp (NM_001318832.2); c.226-903C>T (NM_001318827.2); c.-1-2803C>T (NM_001318831.2); short protein forms R93W, R104W, R44W.
Identifiers: ClinVar variation 467968 (VCV000467968.12), dbSNP rs760688660, ClinGen allele CA041936.
Genomic context (GRCh38, chr16:2,053,393, plus strand): 5'-TGGTGACAGCACGCAGTGGAAGCACTCTGGAAGGCGGTCGCGGATCTGTTGCAGCCGGAG[C>T]GGCCGCTGGAGGCCCGGCACGCGGTGCTGGCTCTGCTGAAGGCCATCGTGCAGGGGCAGG-3'
Protein context (NP_000539.2, residues 83-103): KAVADLLQPE[Arg93Trp]PLEARHAVLA